The following is an entry in ClinVar:

NM_021098.3(CACNA1H):c.6209G>A (p.Arg2070His)

Gene: CACNA1H (calcium voltage-gated channel subunit alpha1 H; plus strand). Cytogenetic location: 16p13.3.
Variant type: single nucleotide variant.
Coding change: c.6209G>A on transcript NM_021098.3 (MANE Select); coding-DNA position 6209, G replaced by A.
Protein change: p.Arg2070His; replaces arginine 2070 with histidine.
Molecular consequence: missense variant.
Genome position (GRCh38, 1-based): chr16:1,220,141, G>A. VCF-style: chr16-1220141-G-A. GRCh37 (hg19) VCF-style: chr16-1270141-G-A.
Other names: c.6209G>A (NM_021098.2); c.6191G>A, p.Arg2064His (NM_001005407.2); short protein forms R2064H, R2070H.
Identifiers: ClinVar variation 1476057 (VCV001476057.10), dbSNP rs777897759, ClinGen allele CA7802269.

ClinVar aggregate classification (germline): Conflicting classifications of pathogenicity. Review status: criteria provided, conflicting classifications (1 of 4 stars). 3 submissions from 3 submitters: Uncertain significance (2); Benign (1). Last evaluated 2026-08-06.

Conditions:
Idiopathic generalized epilepsy. Also called: Generalised epilepsy; EIG. Identifiers: MedGen C0270850, MONDO:0005579, OMIM 600669.
Hyperaldosteronism, familial, type IV (HALD4). Also called: FH IV; ALDOSTERONISM, PRIMARY, AND HYPERTENSION. Identifiers: Orphanet 642671, MedGen C4310756, MONDO:0014875, OMIM 617027.

gnomAD v4.1: 13 of 1,507,298 alleles (0.00086%); highest among the groups gnomAD compares: East Asian, 0.005%; no homozygotes.

Submissions (3):

OLLIN Analises Genomicas, OLLIN
Classification: Uncertain significance. Last evaluated: 2026-08-06. Review status: criteria provided, single submitter. Criteria: ACMG Guidelines 2015 PMID 25741868. Collection method: clinical testing. Allele origin: germline.
Comment: This missense variant, located in exon 35 (of 35), has been reported in ClinVar (accession VCV001476057.9) and in gnomAD with an allele frequency of 0.00086%. However, to our knowledge, it has not been reported in the scientific literature. In silico analysis predicts that this variant has a tolerated effect. According to the currently available evidence, this variant has been classified as uncertain significance (BP4).

GeneDx
Classification: Uncertain significance. Last evaluated: 2022-12-13. Review status: criteria provided, single submitter. Criteria: GeneDx Variant Classification Process June 2021. Collection method: clinical testing. Allele origin: germline. Affected: yes.
Comment: In silico analysis supports that this missense variant does not alter protein structure/function; Has not been previously published as pathogenic or benign to our knowledge; In silico analysis suggests this variant may impact gene splicing. In the absence of RNA/functional studies, the actual effect of this sequence change is unknown.

Labcorp Genetics (formerly Invitae), Labcorp
Classification: Benign for Idiopathic generalized epilepsy; Hyperaldosteronism, familial, type IV. Last evaluated: 2022-06-27. Review status: criteria provided, single submitter. Criteria: Invitae Variant Classification Sherloc (09022015). Collection method: clinical testing. Allele origin: germline.